The following is an entry in ClinVar:

NM_000487.6(ARSA):c.398_409del (p.Glu133_Leu137delinsVal)

Gene: ARSA (arylsulfatase A; minus strand). Cytogenetic location: 22q13.33.
Variant type: Deletion.
Coding change: c.398_409del on transcript NM_000487.6 (MANE Select); coding-DNA positions 398 to 409, 12 bases deleted (AGGGGGCCTTCC).
Protein change: p.Glu133_Leu137delinsVal.
Molecular consequence: inframe indel.
Genome position (GRCh38, 1-based): chr22:50,627,222-50,627,233, GGAAGGCCCCCT deleted on the plus strand (AGGGGGCCTTCC on the coding strand, the reverse complement: ARSA is on the minus strand). VCF-style (leftmost placement, unchanged base first): chr22-50627221-AGGAAGGCCCCCT-A. GRCh37 (hg19) VCF-style: chr22-51065649-AGGAAGGCCCCCT-A.
Other names: c.398_409del, p.Glu133_Leu137delinsVal (NM_001085425.3, NM_001085426.3, NM_001085427.3); c.140_151del, p.Glu47_Leu51delinsVal (NM_001085428.3, NM_001362782.2); c.398_409del (NM_000487.5); c.398_409del12 (NM_000487.5).
Identifiers: ClinVar variation 557550 (VCV000557550.4), dbSNP rs1555901024, ClinGen allele CA658824688.

ClinVar aggregate classification (germline): Likely pathogenic. Review status: criteria provided, single submitter (1 of 4 stars). 2 submissions from 2 submitters: Likely pathogenic (1). 1 of the submissions does not count toward it. Last evaluated 2025-03-20.

Conditions:
Metachromatic leukodystrophy (MLD). Also called: Cerebral sclerosis diffuse metachromatic form; Arylsulfatase A Deficiency; ARSA DEFICIENCY; CEREBROSIDE SULFATASE DEFICIENCY; METACHROMATIC LEUKOENCEPHALOPATHY; SULFATIDE LIPIDOSIS. Identifiers: Orphanet 512, MedGen C0023522, MONDO:0018868, OMIM 250100.

Submissions (2):

Natera, Inc.
Classification: Likely pathogenic for Metachromatic leukodystrophy. Last evaluated: 2025-03-20. Review status: criteria provided, single submitter. Criteria: Natera Variant Classification Schema (03/2026). Collection method: clinical testing. Allele origin: germline.
Comment: The c.398_409del variant in ARSA is an in-frame deletion. This variant is rare in the general population with a frequency below the threshold expected for the associated phenotype(s). This variant has been observed in one or more individuals affected with the associated recessive disease, as either homozygous or compound heterozygous with a second variant (PMID: 7649558). This variant results in a change to the protein length while preserving reading frame, which may disrupt normal protein structure or function. Computational prediction algorithms indicate this variant is likely to affect gene or protein function. Given the available evidence, this variant is classified as Likely Pathogenic.

Counsyl
Classification: Uncertain significance for Metachromatic leukodystrophy. Last evaluated: 2018-03-30. Review status: no assertion criteria provided. Collection method: clinical testing. Allele origin: unknown. Not counted in ClinVar's aggregate classification.

Literature cited by the submitters: PubMed 7649558 (cited by Natera, Inc. and Counsyl); PubMed 26000324 (cited by Counsyl).